The following is an entry in ClinVar:

NM_014686.5(GARRE1):c.2145G>A (p.Pro715=)

Gene: GARRE1 (granule associated Rac and RHOG effector 1; plus strand). Cytogenetic location: 19q13.11.
Variant type: single nucleotide variant.
Coding change: c.2145G>A on transcript NM_014686.5 (MANE Select); coding-DNA position 2145, G replaced by A.
Protein change: p.Pro715=; no amino-acid change (proline 715 retained).
Molecular consequence: synonymous variant.
Genome position (GRCh38, 1-based): chr19:34,342,079, G>A. VCF-style: chr19-34342079-G-A. GRCh37 (hg19) VCF-style: chr19-34832984-G-A.
Identifiers: ClinVar variation 2649701 (VCV002649701.24), dbSNP rs140626652, ClinGen allele CA9366432.

ClinVar aggregate classification (germline): Likely benign (1 of 4 stars; one submission).

Allele frequency attached by ClinVar (database versions not stated): 1000 Genomes Project 0.00160; ESP Exome Variant Server 0.00169; 1000 Genomes Project 30x 0.00172; TOPMed 0.00180; ExAC 0.00185; gnomAD exomes 0.00231.
gnomAD v4.1: 3,657 of 1,614,100 alleles (0.23%); highest among the groups gnomAD compares: Non-Finnish European, 0.25%; 7 homozygotes.

Submission:

CeGaT Center for Human Genetics Tuebingen
Classification: Likely benign. Last evaluated: 2022-10-01. Review status: criteria provided, single submitter. Criteria: CeGaT Center For Human Genetics Tuebingen Variant Classification Criteria Version 2. Collection method: clinical testing. Allele origin: germline. Affected: yes. Observed: 1 variant allele.
Comment: GARRE1: BP4, BP7